The following is an entry in ClinVar:

NM_001165963.4(SCN1A):c.3012T>C (p.Asp1004=)

Gene: SCN1A (sodium voltage-gated channel alpha subunit 1; minus strand). Cytogenetic location: 2q24.3.
Variant type: single nucleotide variant.
Coding change: c.3012T>C on transcript NM_001165963.4 (MANE Select); coding-DNA position 3012, T replaced by C.
Protein change: p.Asp1004=; no amino-acid change (aspartic acid 1004 retained).
Molecular consequence: synonymous variant. On other transcripts: non-coding transcript variant (1).
Genome position (GRCh38, 1-based): chr2:166,036,465, A>G on the plus strand (T>C on the coding strand, the complement: SCN1A is on the minus strand). VCF-style: chr2-166036465-A-G. GRCh37 (hg19) VCF-style: chr2-166892975-A-G.
Other names: c.2928T>C, p.Asp976= (NM_001165964.3, NM_001353957.2, NM_001353958.2); c.3012T>C, p.Asp1004= (NM_001202435.3, NM_001353948.2); c.2979T>C, p.Asp993= (NM_001353949.2, NM_001353950.2, NM_001353951.2 and 2 more transcripts); c.2976T>C, p.Asp992= (NM_001353954.2, NM_001353955.2); c.2925T>C, p.Asp975= (NM_001353960.2); c.570T>C, p.Asp190= (NM_001353961.2).
Identifiers: ClinVar variation 331887 (VCV000331887.18), dbSNP rs748537030, ClinGen allele CA1943020.

ClinVar aggregate classification (germline): Conflicting classifications of pathogenicity. Review status: criteria provided, conflicting classifications (1 of 4 stars). 4 submissions from 3 submitters: Uncertain significance (1); Likely benign (3). Last evaluated 2026-01-04.

Conditions:
Early-infantile DEE. Also called: Early infantile epileptic encephalopathy; Early infantile epileptic encephalopathy with suppression bursts; Ohtahara syndrome. Identifiers: Orphanet 1934, MedGen C0393706, MONDO:0800491.
Inborn genetic diseases. Identifiers: MedGen C0950123, MeSH D030342.
Migraine, familial hemiplegic, 3. Identifiers: Orphanet 569, MedGen C1864987, MONDO:0012320, OMIM 609634.
Generalized epilepsy with febrile seizures plus, type 2 (GEFSP2). Also called: GEFS+, TYPE 2. Identifiers: Orphanet 36387, MedGen C1858673, MONDO:0011461, OMIM 604403.

Allele frequency attached by ClinVar (database versions not stated): gnomAD exomes 0.00001 and 0.00002; TOPMed 0.00001; gnomAD 0.00002; ExAC 0.00003.
gnomAD v4.1: 14 of 1,611,396 alleles (0.00087%); highest among the groups gnomAD compares: Admixed American, 0.01%; no homozygotes.

Submissions (4):

Labcorp Genetics (formerly Invitae), Labcorp
Classification: Likely benign for Early-infantile DEE. Last evaluated: 2026-01-04. Review status: criteria provided, single submitter. Criteria: Invitae Variant Classification Sherloc (09022015). Collection method: clinical testing. Allele origin: germline.

Ambry Genetics
Classification: Likely benign for Inborn genetic diseases. Last evaluated: 2019-11-08. Review status: criteria provided, single submitter. Criteria: Ambry Variant Classification Scheme 2023. Collection method: clinical testing. Allele origin: germline.

Illumina Laboratory Services, Illumina
Classification: Likely benign for Migraine, familial hemiplegic, 3. Last evaluated: 2018-01-12. Review status: criteria provided, single submitter. Criteria: ICSL Variant Classification Criteria 13 December 2019. Collection method: clinical testing. Allele origin: germline.
Comment: This variant was observed in the ICSL laboratory as part of a predisposition screen in an ostensibly healthy population. It had not been previously curated by ICSL or reported in the Human Gene Mutation Database (HGMD: prior to June 1st, 2018), and was therefore a candidate for classification through an automated scoring system. Utilizing variant allele frequency, disease prevalence and penetrance estimates, and inheritance mode, an automated score was calculated to assess if this variant is too frequent to cause the disease. Based on the score and internal cut-off values, a variant classified as likely benign is not then subjected to further curation. The score for this variant resulted in a classification of likely benign for this disease.

Illumina Laboratory Services, Illumina
Classification: Uncertain significance for Generalized epilepsy with febrile seizures plus, type 2. Last evaluated: 2018-01-12. Review status: criteria provided, single submitter. Criteria: ICSL Variant Classification Criteria 13 December 2019. Collection method: clinical testing. Allele origin: germline.